The following is an entry in ClinVar:

ClinVar aggregate classification (germline): Benign (3 of 4 stars; one submission).

Conditions:
Breast-ovarian cancer, familial, susceptibility to, 2 (BROVCA2). Also called: BRCA2 Hereditary Breast and Ovarian Cancer. Identifiers: Orphanet 145, MedGen C2675520, MONDO:0012933, OMIM 612555. Disease mechanism: loss of function.

Allele frequency attached by ClinVar (database versions not stated): 1000 Genomes Project 0.01597; 1000 Genomes Project 30x 0.01858; TOPMed 0.03560; gnomAD 0.04010 and 0.04150.

Submission:

Evidence-based Network for the Interpretation of Germline Mutant Alleles (ENIGMA)
Classification: Benign for Breast-ovarian cancer, familial 2. Last evaluated: 2015-01-12. Review status: reviewed by expert panel. Criteria: ENIGMA BRCA1/2 Classification Criteria (2015). Collection method: curation. Allele origin: germline.
Comment: Class 1 not pathogenic based on frequency >1% in an outbred sampleset. Frequency 0.04881 (European), derived from 1000 genomes (2012-04-30).

NM_000059.4(BRCA2):c.9257-4988A>G

Gene: BRCA2 (BRCA2 DNA repair associated; plus strand). Cytogenetic location: 13q13.1.
Variant type: single nucleotide variant.
Coding change: c.9257-4988A>G on transcript NM_000059.4 (MANE Select); 4988 bases into the intron before coding-DNA position 9257, A replaced by G.
Molecular consequence: intron variant.
Genome position (GRCh38, 1-based): chr13:32,389,701, A>G. VCF-style: chr13-32389701-A-G. GRCh37 (hg19) VCF-style: chr13-32963838-A-G.
Other names: IVS 24-4988A>G.
Identifiers: ClinVar variation 209885 (VCV000209885.1), dbSNP rs9526160, ClinGen allele CA276853.